The following is an entry in ClinVar:

NM_002693.3(POLG):c.3479C>T (p.Thr1160Ile)

Gene: POLG (DNA polymerase gamma, catalytic subunit; minus strand). Cytogenetic location: 15q26.1.
Variant type: single nucleotide variant.
Coding change: c.3479C>T on transcript NM_002693.3 (MANE Select); coding-DNA position 3479, C replaced by T.
Protein change: p.Thr1160Ile; replaces threonine 1160 with isoleucine.
Molecular consequence: missense variant.
Genome position (GRCh38, 1-based): chr15:89,318,544, G>A on the plus strand (C>T on the coding strand, the complement: POLG is on the minus strand). VCF-style: chr15-89318544-G-A. GRCh37 (hg19) VCF-style: chr15-89861775-G-A.
Other names: c.3479C>T, p.Thr1160Ile (NM_001126131.2); short protein forms T1160I.
Identifiers: ClinVar variation 2126415 (VCV002126415.4), dbSNP rs2509201608, ClinGen allele CA393749647.

ClinVar aggregate classification (germline): Uncertain significance (1 of 4 stars; one submission).

Conditions:
Progressive sclerosing poliodystrophy (MTDPS4A). Also called: Mitochondrial DNA Depletion Syndrome 4A; Alpers-Huttenlocher Syndrome (AHS); ALPERS PROGRESSIVE INFANTILE POLIODYSTROPHY; NEURONAL DEGENERATION OF CHILDHOOD WITH LIVER DISEASE, PROGRESSIVE; Mitochondrial DNA depletion syndrome 4A (Alpers type); Alpers Syndrome. Identifiers: Orphanet 726, MedGen C0205710, MONDO:0008758, OMIM 203700.

Submission:

Labcorp Genetics (formerly Invitae), Labcorp
Classification: Uncertain significance for Progressive sclerosing poliodystrophy. Last evaluated: 2022-04-25. Review status: criteria provided, single submitter. Criteria: Invitae Variant Classification Sherloc (09022015). Collection method: clinical testing. Allele origin: germline.
Comment: This variant is not present in population databases (gnomAD no frequency). This sequence change replaces threonine, which is neutral and polar, with isoleucine, which is neutral and non-polar, at codon 1160 of the POLG protein (p.Thr1160Ile). This variant has not been reported in the literature in individuals affected with POLG-related conditions. In summary, the available evidence is currently insufficient to determine the role of this variant in disease. Therefore, it has been classified as a Variant of Uncertain Significance. Algorithms developed to predict the effect of missense changes on protein structure and function are either unavailable or do not agree on the potential impact of this missense change (SIFT: "Deleterious"; PolyPhen-2: "Probably Damaging"; Align-GVGD: "Class C0").